The following is an entry in ClinVar:

ClinVar aggregate classification (germline): Uncertain significance. Review status: criteria provided, multiple submitters, no conflicts (2 of 4 stars). 2 submissions from 2 submitters: Uncertain significance (2). Last evaluated 2022-05-24.

Conditions:
Cardiovascular phenotype. Identifiers: MedGen CN230736.
Brugada syndrome 4 (BRGDA4). Identifiers: Orphanet 130, MedGen C2678477, MONDO:0012743, OMIM 611876.

gnomAD v4.1: 1 of 1,613,782 alleles (0.000062%); highest among the groups gnomAD compares: Non-Finnish European, 0.000085%; no homozygotes.

Submissions (2):

Ambry Genetics
Classification: Uncertain significance for Cardiovascular phenotype. Last evaluated: 2022-05-24. Review status: criteria provided, single submitter. Criteria: Ambry Variant Classification Scheme 2023. Collection method: clinical testing. Allele origin: germline.
Comment: The p.R554L variant (also known as c.1661G>T), located in coding exon 13 of the CACNB2 gene, results from a G to T substitution at nucleotide position 1661. The arginine at codon 554 is replaced by leucine, an amino acid with dissimilar properties. This amino acid position is conserved. In addition, the in silico prediction for this alteration is inconclusive. Since supporting evidence is limited at this time, the clinical significance of this alteration remains unclear.

Labcorp Genetics (formerly Invitae), Labcorp
Classification: Uncertain significance for Brugada syndrome 4. Last evaluated: 2022-03-14. Review status: criteria provided, single submitter. Criteria: Invitae Variant Classification Sherloc (09022015). Collection method: clinical testing. Allele origin: germline.
Comment: This sequence change replaces arginine, which is basic and polar, with leucine, which is neutral and non-polar, at codon 554 of the CACNB2 protein (p.Arg554Leu). This variant is not present in population databases (gnomAD no frequency). This variant has not been reported in the literature in individuals affected with CACNB2-related conditions. Algorithms developed to predict the effect of missense changes on protein structure and function (SIFT, PolyPhen-2, Align-GVGD) all suggest that this variant is likely to be disruptive. In summary, the available evidence is currently insufficient to determine the role of this variant in disease. Therefore, it has been classified as a Variant of Uncertain Significance.

NM_201596.3(CACNB2):c.1823G>T (p.Arg608Leu)

Gene: CACNB2 (calcium voltage-gated channel auxiliary subunit beta 2; plus strand). Cytogenetic location: 10p12.31.
Variant type: single nucleotide variant.
Coding change: c.1823G>T on transcript NM_201596.3 (MANE Select); coding-DNA position 1823, G replaced by T.
Protein change: p.Arg608Leu; replaces arginine 608 with leucine.
Molecular consequence: missense variant.
Genome position (GRCh38, 1-based): chr10:18,539,564, G>T. VCF-style: chr10-18539564-G-T. GRCh37 (hg19) VCF-style: chr10-18828493-G-T.
Other names: c.1658G>T, p.Arg553Leu (NM_000724.4); c.1625G>T, p.Arg542Leu (NM_001167945.2); c.1544G>T, p.Arg515Leu (NM_001330060.2); c.1565G>T, p.Arg522Leu (NM_001410882.1); c.1679G>T, p.Arg560Leu (NM_201570.3); c.1739G>T, p.Arg580Leu (NM_201571.4); c.1667G>T, p.Arg556Leu (NM_201572.4); c.1661G>T, p.Arg554Leu (NM_201590.3); and 2 more; short protein forms R554L, R515L, R522L, R542L, R560L, R570L, R553L, R580L.
Identifiers: ClinVar variation 1777497 (VCV001777497.7), dbSNP rs771011929, ClinGen allele CA376072456.
Genomic context (GRCh38, chr10:18,539,564, plus strand): 5'-ACAACCACAGAGACGAGACCCACGGGAGCAGTGACCACAGACACAGGGAGTCCCGGCACC[G>T]TTCCCGGGACGTGGATCGAGAGCAGGACCACAACGAGTGCAACAAGCAGCGCAGCCGTCA-3'
Protein context (NP_963890.2, residues 598-618): SDHRHRESRH[Arg608Leu]SRDVDREQDH